The following is an entry in ClinVar:

NM_001042492.3(NF1):c.3058del (p.Glu1020fs)

Gene: NF1 (neurofibromin 1; plus strand). Cytogenetic location: 17q11.2.
Variant type: Deletion.
Coding change: c.3058del on transcript NM_001042492.3 (MANE Select); coding-DNA position 3058, one base deleted (G; older notation c.3058delG).
Protein change: p.Glu1020fs; shifts the reading frame from glutamic acid 1020.
Molecular consequence: frameshift variant.
Genome position (GRCh38, 1-based): chr17:31,230,327, G deleted. VCF-style (leftmost placement, unchanged base first): chr17-31230326-TG-T. GRCh37 (hg19) VCF-style: chr17-29557344-TG-T.
Other names: c.3058delG, p.Glu1020Lysfs (NM_000267.4); short protein forms E1020fs.
Identifiers: ClinVar variation 844702 (VCV000844702.7), dbSNP rs2067091912, ClinGen allele CA916080649.
Genomic context (GRCh38, chr17:31,230,326, plus strand): 5'-TCGTGTGCTTGGGAATATGGTCCATGCAATTCAAATAAAAACGAAACTGTGTCAATTAGT[TG>T]AAGTAATGATGGCAAGGAGAGATGACCTCTCATTTTGCCAAGAGATGAAATTTAGGTGAG-3'

ClinVar aggregate classification (germline): Pathogenic. Review status: criteria provided, multiple submitters, no conflicts (2 of 4 stars). 2 submissions from 2 submitters: Pathogenic (2). Last evaluated 2022-01-25.

Conditions:
NF1-related disorder. Also called: NF1-related condition. Identifiers: MedGen CN379171.
Neurofibromatosis, type 1 (NF1). Also called: Peripheral type neurofibromatosis; VON RECKLINGHAUSEN DISEASE; Neurofibromatosis, type I; NEUROFIBROMATOSIS, TYPE I, SOMATIC. Identifiers: Orphanet 636, MedGen C0027831, MONDO:0018975, OMIM 162200. Disease mechanism: loss of function.

Submissions (2):

Blueprint Genetics
Classification: Pathogenic for NF1-related disorders. Last evaluated: 2022-01-25. Review status: criteria provided, single submitter. Criteria: ACMG Guidelines, 2015. Collection method: clinical testing. Allele origin: germline. Affected: yes. Observed: 1 variant allele.

Labcorp Genetics (formerly Invitae), Labcorp
Classification: Pathogenic for Neurofibromatosis, type 1. Last evaluated: 2019-03-29. Review status: criteria provided, single submitter. Criteria: Invitae Variant Classification Sherloc (09022015). Collection method: clinical testing. Allele origin: germline.
Comment: This sequence change creates a premature translational stop signal (p.Glu1020Lysfs*2) in the NF1 gene. It is expected to result in an absent or disrupted protein product. For these reasons, this variant has been classified as Pathogenic. Loss-of-function variants in NF1 are known to be pathogenic (PMID: 10712197, 23913538). This variant has not been reported in the literature in individuals with NF1-related conditions. This variant is not present in population databases (ExAC no frequency).

Literature cited by the submitters: PubMed 10712197 (cited by Labcorp Genetics (formerly Invitae), Labcorp); PubMed 23913538 (cited by Labcorp Genetics (formerly Invitae), Labcorp).